The following is an entry in ClinVar:

NM_032242.4(PLXNA1):c.3918C>T (p.Asp1306=)

Gene: PLXNA1 (plexin A1; plus strand). Cytogenetic location: 3q21.3.
Variant type: single nucleotide variant.
Coding change: c.3918C>T on transcript NM_032242.4 (MANE Select); coding-DNA position 3918, C replaced by T.
Protein change: p.Asp1306=; no amino-acid change (aspartic acid 1306 retained).
Molecular consequence: synonymous variant.
Genome position (GRCh38, 1-based): chr3:127,020,224, C>T. VCF-style: chr3-127020224-C-T. GRCh37 (hg19) VCF-style: chr3-126739067-C-T.
Identifiers: ClinVar variation 3349716 (VCV003349716.1).
Genomic context (GRCh38, chr3:127,020,224, plus strand): 5'-CCAGGGCATGCTGCCCCTGACGCCGCATCTGGCCACAGCCTTTGCAGAGCTGCAGACAGA[C>T]ATCCACGAGCTGACCAATGACCTGGACGGTGCCGGCATCCCCTTCCTTGACTACCGGACA-3'
Protein context (NP_115618.3, residues 1296-1316): CKEAFAELQT[Asp1306=]IHELTNDLDG

ClinVar aggregate classification (germline): Likely benign (0 of 4 stars; one submission).

Conditions:
PLXNA1-related disorder. Also called: PLXNA1-related condition.

Submission:

PreventionGenetics, part of Exact Sciences
Classification: Likely benign for PLXNA1-related condition. Last evaluated: 2024-01-31. Review status: no assertion criteria provided. Collection method: clinical testing. Allele origin: germline.
Comment: This variant is classified as likely benign based on ACMG/AMP sequence variant interpretation guidelines (Richards et al. 2015 PMID: 25741868, with internal and published modifications).